The following is an entry in ClinVar:

ClinVar aggregate classification (germline): Uncertain significance (1 of 4 stars; one submission).

Conditions:
Glycogen storage disease IXd (GSD9D). Also called: Muscle Phosphorylase Kinase Deficiency; GSD IXd. Identifiers: Orphanet 715, MedGen C1845151, MONDO:0010362, OMIM 300559.

Allele frequency attached by ClinVar (database versions not stated): gnomAD 0.00002.
gnomAD v4.1: 2 of 1,208,341 alleles (0.00017%); highest among the groups gnomAD compares: African/African-American, 0.0035%; no homozygotes.

Submission:

Labcorp Genetics (formerly Invitae), Labcorp
Classification: Uncertain significance for Glycogen storage disease IXd. Last evaluated: 2024-01-04. Review status: criteria provided, single submitter. Criteria: Invitae Variant Classification Sherloc (09022015). Collection method: clinical testing. Allele origin: germline.
Comment: This sequence change replaces aspartic acid, which is acidic and polar, with glycine, which is neutral and non-polar, at codon 216 of the PHKA1 protein (p.Asp216Gly). This variant is present in population databases (no rsID available, gnomAD 0.05%). This variant has not been reported in the literature in individuals affected with PHKA1-related conditions. Advanced modeling of protein sequence and biophysical properties (such as structural, functional, and spatial information, amino acid conservation, physicochemical variation, residue mobility, and thermodynamic stability) performed at Invitae indicates that this missense variant is expected to disrupt PHKA1 protein function with a positive predictive value of 80%. In summary, the available evidence is currently insufficient to determine the role of this variant in disease. Therefore, it has been classified as a Variant of Uncertain Significance.

NM_002637.4(PHKA1):c.647A>G (p.Asp216Gly)

Gene: PHKA1 (phosphorylase kinase regulatory subunit alpha 1; minus strand). Cytogenetic location: Xq13.1.
Variant type: single nucleotide variant.
Coding change: c.647A>G on transcript NM_002637.4 (MANE Select); coding-DNA position 647, A replaced by G.
Protein change: p.Asp216Gly; replaces aspartic acid 216 with glycine.
Molecular consequence: missense variant.
Genome position (GRCh38, 1-based): chrX:72,667,445, T>C on the plus strand (A>G on the coding strand, the complement: PHKA1 is on the minus strand). VCF-style: chrX-72667445-T-C. GRCh37 (hg19) VCF-style: chrX-71887295-T-C.
Other names: c.647A>G, p.Asp216Gly (NM_001122670.2, NM_001172436.2); short protein forms D216G.
Identifiers: ClinVar variation 2878790 (VCV002878790.3), dbSNP rs1556306926, ClinGen allele CA413594556.